The following is an entry in ClinVar:

ClinVar aggregate classification (germline): Pathogenic. Review status: criteria provided, single submitter (1 of 4 stars). 2 submissions from 1 submitter: Pathogenic (2). Last evaluated 2020-08-03.

Conditions:
Neurodegeneration with brain iron accumulation 5 (NBIA5). Also called: STATIC ENCEPHALOPATHY OF CHILDHOOD WITH NEURODEGENERATION IN ADULTHOOD; Beta-propeller protein-associated neurodegeneration. Identifiers: Orphanet 329284, MedGen C3550973, MONDO:0010476, OMIM 300894.
Intellectual disability. Also called: intellectual disabilities; Intellectual developmental disorder; Intellectual functioning disability. Identifiers: MedGen C3714756, MeSH D008607, MONDO:0001071, HP:0001249.

Submissions (2):

Institute of Human Genetics, University of Leipzig Medical Center
Classification: Pathogenic for Intellectual disability. Last evaluated: 2020-08-03. Review status: criteria provided, single submitter. Criteria: ACMG Guidelines, 2015. Collection method: clinical testing. Allele origin: de novo. Affected: yes.

Institute of Human Genetics, University of Leipzig Medical Center
Classification: Pathogenic for Neurodegeneration with brain iron accumulation 5. Last evaluated: 2018-09-26. Review status: criteria provided, single submitter. Criteria: ACMG Guidelines, 2015. Collection method: clinical testing. Allele origin: germline. Affected: yes. Observed: 1 variant allele.

NM_001029896.2(WDR45):c.787_800del (p.Ile263fs)

Gene: WDR45 (WD repeat domain 45; minus strand). Cytogenetic location: Xp11.23.
Variant type: Deletion.
Coding change: c.787_800del on transcript NM_001029896.2 (MANE Select); coding-DNA positions 787 to 800, 14 bases deleted (ATCTTTGCTCTCAA).
Protein change: p.Ile263fs; shifts the reading frame from isoleucine 263.
Molecular consequence: frameshift variant.
Genome position (GRCh38, 1-based): chrX:49,075,391-49,075,404, TTGAGAGCAAAGAT deleted on the plus strand (ATCTTTGCTCTCAA on the coding strand, the reverse complement: WDR45 is on the minus strand). VCF-style (leftmost placement, unchanged base first): chrX-49075390-CTTGAGAGCAAAGAT-C. GRCh37 (hg19) VCF-style: chrX-48933049-CTTGAGAGCAAAGAT-C.
Other names: c.790_803del, p.Ile264fs (NM_007075.4); short protein forms I263fs, I264fs.
Identifiers: ClinVar variation 976172 (VCV000976172.2), dbSNP rs2065030871, ClinGen allele CA1139667519.
Genomic context (GRCh38, chrX:49,075,390, plus strand): 5'-CAGGGACACGGTAGGGTGGGGAGGGGGTACTCACGCGGAGCGGCGGTTGAGGCGGGTATC[CTTGAGAGCAAAGAT>C]ATGGACAGTACCCTTATCACTGGAAGCGCAGAGGAAGGAGGAGTCGTGGCTGAAGTTAAT-3'